The following is an entry in ClinVar:

ClinVar aggregate classification (germline): Pathogenic (0 of 4 stars; one submission).

Conditions:
Fanconi anemia complementation group A (FANCA). Also called: Fanconi anemia, group A; FANCA-Related Fanconi Anemia. Identifiers: Orphanet 84, MedGen C3469521, MONDO:0009215, OMIM 227650.

Submission:

Leiden Open Variation Database
Classification: Pathogenic for Fanconi anemia complementation group A. Last evaluated: 2020-02-28. Review status: no assertion criteria provided. Collection method: curation. Allele origin: germline. Affected: yes.
Comment: Curator: Arleen D. Auerbach. Submitter to LOVD: Arleen D. Auerbach.

NM_000135.4(FANCA):c.2362G>C (p.Ala788Pro)

Gene: FANCA (FA complementation group A; minus strand). Cytogenetic location: 16q24.3.
Variant type: single nucleotide variant.
Coding change: c.2362G>C on transcript NM_000135.4 (MANE Select); coding-DNA position 2362, G replaced by C.
Protein change: p.Ala788Pro; replaces alanine 788 with proline.
Molecular consequence: missense variant.
Genome position (GRCh38, 1-based): chr16:89,769,979, C>G on the plus strand (G>C on the coding strand, the complement: FANCA is on the minus strand). VCF-style: chr16-89769979-C-G. GRCh37 (hg19) VCF-style: chr16-89836387-C-G.
Other names: c.2362G>C, p.Ala788Pro (NM_001286167.3); short protein forms A788P.
Identifiers: ClinVar variation 974035 (VCV000974035.1), dbSNP rs1036897594, ClinGen allele CA397444289.